The following is an entry in ClinVar:

ClinVar aggregate classification (germline): Uncertain significance (1 of 4 stars; one submission).

Allele frequency attached by ClinVar (database versions not stated): gnomAD 0.00001; TOPMed 0.00003.
gnomAD v4.1: 11 of 1,611,616 alleles (0.00068%); highest among the groups gnomAD compares: East Asian, 0.0022%; no homozygotes.

Submission:

Labcorp Genetics (formerly Invitae), Labcorp
Classification: Uncertain significance. Last evaluated: 2022-01-02. Review status: criteria provided, single submitter. Criteria: Invitae Variant Classification Sherloc (09022015). Collection method: clinical testing. Allele origin: germline.
Comment: In summary, the available evidence is currently insufficient to determine the role of this variant in disease. Therefore, it has been classified as a Variant of Uncertain Significance. Algorithms developed to predict the effect of missense changes on protein structure and function output the following: SIFT: "Tolerated"; PolyPhen-2: "Benign"; Align-GVGD: "Class C0". The histidine amino acid residue is found in multiple mammalian species, which suggests that this missense change does not adversely affect protein function. This variant has not been reported in the literature in individuals affected with ASPM-related conditions. This variant is present in population databases (rs766267818, gnomAD 0.006%). This sequence change replaces arginine, which is basic and polar, with histidine, which is basic and polar, at codon 2665 of the ASPM protein (p.Arg2665His).

NM_018136.5(ASPM):c.7994G>A (p.Arg2665His)

Gene: ASPM (assembly factor for spindle microtubules; minus strand). Cytogenetic location: 1q31.3.
Variant type: single nucleotide variant.
Coding change: c.7994G>A on transcript NM_018136.5 (MANE Select); coding-DNA position 7994, G replaced by A.
Protein change: p.Arg2665His; replaces arginine 2665 with histidine.
Molecular consequence: missense variant. On other transcripts: intron variant (1).
Genome position (GRCh38, 1-based): chr1:197,101,257, C>T on the plus strand (G>A on the coding strand, the complement: ASPM is on the minus strand). VCF-style: chr1-197101257-C-T. GRCh37 (hg19) VCF-style: chr1-197070387-C-T.
Other names: c.4066-5093G>A (NM_001206846.2); short protein forms R2665H.
Identifiers: ClinVar variation 1902897 (VCV001902897.5), dbSNP rs766267818, ClinGen allele CA1309302.